The following is an entry in ClinVar:

NM_001846.4(COL4A2):c.1596+8G>C

Genes: COL4A2 (collagen type IV alpha 2 chain; plus strand), COL4A2-AS2 (COL4A2 antisense RNA 2; minus strand). Cytogenetic location: 13q34.
Variant type: single nucleotide variant.
Coding change: c.1596+8G>C on transcript NM_001846.4 (MANE Select); 8 bases into the intron after coding-DNA position 1596, G replaced by C.
Molecular consequence: intron variant.
Genome position (GRCh38, 1-based): chr13:110,458,942, G>C. VCF-style: chr13-110458942-G-C. GRCh37 (hg19) VCF-style: chr13-111111289-G-C.
Identifiers: ClinVar variation 881613 (VCV000881613.8), dbSNP rs147871111, ClinGen allele CA7049630.

ClinVar aggregate classification (germline): Benign. Review status: criteria provided, multiple submitters, no conflicts (2 of 4 stars). 2 submissions from 2 submitters: Benign (2). Last evaluated 2025-03-24.

Conditions:
Brain small vessel disease 2A, autosomal dominant. Also called: Porencephaly 2. Identifiers: Orphanet 2940, Orphanet 99810, MedGen C3280970, MONDO:0013773, OMIM 614483.

Allele frequency attached by ClinVar (database versions not stated): TOPMed 0.00002; gnomAD 0.00003 and 0.00010; ExAC 0.00013; 1000 Genomes Project 30x 0.00078; 1000 Genomes Project 0.00100.
gnomAD v4.1: 287 of 1,541,022 alleles (0.019%); highest among the groups gnomAD compares: East Asian, 0.65%; 1 homozygote.

Submissions (2):

Labcorp Genetics (formerly Invitae), Labcorp
Classification: Benign. Last evaluated: 2025-03-24. Review status: criteria provided, single submitter. Criteria: Invitae Variant Classification Sherloc (09022015). Collection method: clinical testing. Allele origin: germline.

Illumina Laboratory Services, Illumina
Classification: Benign for Brain small vessel disease 2A, autosomal dominant. Last evaluated: 2018-01-12. Review status: criteria provided, single submitter. Criteria: ICSL Variant Classification Criteria 13 December 2019. Collection method: clinical testing. Allele origin: germline.
Comment: This variant was observed in the ICSL laboratory as part of a predisposition screen in an ostensibly healthy population. It had not been previously curated by ICSL or reported in the Human Gene Mutation Database (HGMD: prior to June 1st, 2018), and was therefore a candidate for classification through an automated scoring system. Utilizing variant allele frequency, disease prevalence and penetrance estimates, and inheritance mode, an automated score was calculated to assess if this variant is too frequent to cause the disease. Based on the score and internal cut-off values, a variant classified as benign is not then subjected to further curation. The score for this variant resulted in a classification of benign for this disease.